The following is an entry in ClinVar:

ClinVar aggregate classification (germline): Pathogenic (1 of 4 stars; one submission).

Conditions:
Long chain 3-hydroxyacyl-CoA dehydrogenase deficiency. Also called: Deficiency of long-chain 3-hydroxyacyl-coenzyme A dehydrogenase; LCHAD Deficiency. Identifiers: Orphanet 5, MedGen C3711645, MONDO:0012173, OMIM 609016.
Mitochondrial trifunctional protein deficiency. Identifiers: Orphanet 746, MedGen C1969443, MONDO:0012172.

Submission:

Labcorp Genetics (formerly Invitae), Labcorp
Classification: Pathogenic for Mitochondrial trifunctional protein deficiency; Long chain 3-hydroxyacyl-CoA dehydrogenase deficiency. Last evaluated: 2022-10-28. Review status: criteria provided, single submitter. Criteria: Invitae Variant Classification Sherloc (09022015). Collection method: clinical testing. Allele origin: germline.
Comment: For these reasons, this variant has been classified as Pathogenic. This variant disrupts a region of the HADHA protein in which other variant(s) (p.Thr745Serfs*8) have been determined to be pathogenic (Invitae). This suggests that this is a clinically significant region of the protein, and that variants that disrupt it are likely to be disease-causing. This variant has not been reported in the literature in individuals affected with HADHA-related conditions. This variant is not present in population databases (gnomAD no frequency). This sequence change creates a premature translational stop signal (p.Tyr724Cysfs*7) in the HADHA gene. While this is not anticipated to result in nonsense mediated decay, it is expected to disrupt the last 40 amino acid(s) of the HADHA protein.

NM_000182.5(HADHA):c.2167_2168dup (p.Tyr724fs)

Genes: HADHA (hydroxyacyl-CoA dehydrogenase trifunctional multienzyme complex subunit alpha; minus strand), GAREM2 (GRB2 associated regulator of MAPK1 subtype 2; plus strand). Cytogenetic location: 2p23.3.
Variant type: Duplication.
Coding change: c.2167_2168dup on transcript NM_000182.5 (MANE Select); coding-DNA positions 2167 to 2168, 2 bases duplicated (CT; older notation c.2167_2168dupCT).
Protein change: p.Tyr724fs; shifts the reading frame from tyrosine 724.
Molecular consequence: frameshift variant.
Genome position (GRCh38, 1-based): chr2:26,191,374-26,191,375, AG duplicated on the plus strand (CT on the coding strand, the reverse complement: HADHA is on the minus strand); duplicating any 2 consecutive bases within chr2:26,191,374-26,191,376 gives the same sequence; the c. name uses the placement nearest the transcript's 3' end. VCF-style (leftmost placement, unchanged base first): chr2-26191373-C-CAG. GRCh37 (hg19) VCF-style: chr2-26414242-C-CAG.
Other names: short protein forms Y724fs.
Identifiers: ClinVar variation 2179378 (VCV002179378.4), dbSNP rs2465505035, ClinGen allele CA2580066150.